The following is an entry in ClinVar:

ClinVar aggregate classification (germline): Likely benign. Review status: criteria provided, multiple submitters, no conflicts (2 of 4 stars). 3 submissions from 3 submitters: Likely benign (3). Last evaluated 2025-08-01.

Conditions:
Hereditary cancer-predisposing syndrome. Also called: Hereditary Cancer Syndrome; Neoplastic Syndromes, Hereditary; Hereditary neoplastic syndrome; Tumor predisposition. Identifiers: Orphanet 140162, MedGen C0027672, MeSH D009386, MONDO:0015356.
DICER1-related tumor predisposition. Also called: DICER1 syndrome; DICER1-related pleuropulmonary blastoma cancer predisposition syndrome. Identifiers: Orphanet 284343, MedGen C3839822, MONDO:0100216.

Allele frequency attached by ClinVar (database versions not stated): gnomAD exomes below 0.00001.
gnomAD v4.1: 1 of 1,613,932 alleles (0.000062%); highest among the groups gnomAD compares: Non-Finnish European, 0.000085%; no homozygotes.

Submissions (3):

CeGaT Center for Human Genetics Tuebingen
Classification: Likely benign. Last evaluated: 2025-08-01. Review status: criteria provided, single submitter. Criteria: CeGaT Center For Human Genetics Tuebingen Variant Classification Criteria Version 2. Collection method: clinical testing. Allele origin: germline. Affected: yes. Observed: 1 variant allele.
Comment: DICER1: BP4, BP7

Labcorp Genetics (formerly Invitae), Labcorp
Classification: Likely benign for DICER1-related tumor predisposition. Last evaluated: 2021-09-23. Review status: criteria provided, single submitter. Criteria: Invitae Variant Classification Sherloc (09022015). Collection method: clinical testing. Allele origin: germline.

Ambry Genetics
Classification: Likely benign for Hereditary cancer-predisposing syndrome. Last evaluated: 2020-06-10. Review status: criteria provided, single submitter. Criteria: Ambry Variant Classification Scheme 2023. Collection method: clinical testing. Allele origin: germline.

NM_177438.3(DICER1):c.213A>G (p.Thr71=)

Gene: DICER1 (dicer 1, ribonuclease III; minus strand). Cytogenetic location: 14q32.13.
Variant type: single nucleotide variant.
Coding change: c.213A>G on transcript NM_177438.3 (MANE Select); coding-DNA position 213, A replaced by G.
Protein change: p.Thr71=; no amino-acid change (threonine 71 retained).
Molecular consequence: synonymous variant.
Genome position (GRCh38, 1-based): chr14:95,132,609, T>C on the plus strand (A>G on the coding strand, the complement: DICER1 is on the minus strand). VCF-style: chr14-95132609-T-C. GRCh37 (hg19) VCF-style: chr14-95598946-T-C.
Other names: c.213A>G, p.Thr71= (NM_001195573.1, NM_001271282.3, NM_001291628.2 and 1 more transcripts).
Identifiers: ClinVar variation 1668466 (VCV001668466.19), dbSNP rs2140288478, ClinGen allele CA487634104.